The following is an entry in ClinVar:

NM_182493.3(MYLK3):c.409G>T (p.Val137Leu)

Gene: MYLK3 (myosin light chain kinase 3; minus strand). Cytogenetic location: 16q11.2.
Variant type: single nucleotide variant.
Coding change: c.409G>T on transcript NM_182493.3 (MANE Select); coding-DNA position 409, G replaced by T.
Protein change: p.Val137Leu; replaces valine 137 with leucine.
Molecular consequence: missense variant. On other transcripts: intron variant (1).
Genome position (GRCh38, 1-based): chr16:46,747,785, C>A on the plus strand (G>T on the coding strand, the complement: MYLK3 is on the minus strand). VCF-style: chr16-46747785-C-A. GRCh37 (hg19) VCF-style: chr16-46781697-C-A.
Other names: c.-113-7638G>T (NM_001308301.1); short protein forms V137L.
Identifiers: ClinVar variation 3698065 (VCV003698065.2).

ClinVar aggregate classification (germline): Uncertain significance (1 of 4 stars; one submission).

gnomAD v4.1: 2 of 1,614,226 alleles (0.00012%); highest among the groups gnomAD compares: Admixed American, 0.0033%; no homozygotes.

Submission:

Labcorp Genetics (formerly Invitae), Labcorp
Classification: Uncertain significance. Last evaluated: 2024-08-06. Review status: criteria provided, single submitter. Criteria: Invitae Variant Classification Sherloc (09022015). Collection method: clinical testing. Allele origin: germline.
Comment: This sequence change replaces valine, which is neutral and non-polar, with leucine, which is neutral and non-polar, at codon 137 of the MYLK3 protein (p.Val137Leu). This variant is present in population databases (no rsID available, gnomAD 0.009%). This variant has not been reported in the literature in individuals affected with MYLK3-related conditions. An algorithm developed to predict the effect of missense changes on protein structure and function outputs the following: PolyPhen-2: "Benign". The leucine amino acid residue is found in multiple mammalian species, which suggests that this missense change does not adversely affect protein function. In summary, the available evidence is currently insufficient to determine the role of this variant in disease. Therefore, it has been classified as a Variant of Uncertain Significance.